The following is an entry in ClinVar:

NM_006009.4(TUBA1A):c.758C>A (p.Thr253Lys)

Gene: TUBA1A (tubulin alpha 1a; minus strand). Cytogenetic location: 12q13.12.
Variant type: single nucleotide variant.
Coding change: c.758C>A on transcript NM_006009.4 (MANE Select); coding-DNA position 758, C replaced by A.
Protein change: p.Thr253Lys; replaces threonine 253 with lysine.
Molecular consequence: missense variant.
Genome position (GRCh38, 1-based): chr12:49,185,608, G>T on the plus strand (C>A on the coding strand, the complement: TUBA1A is on the minus strand). VCF-style: chr12-49185608-G-T. GRCh37 (hg19) VCF-style: chr12-49579391-G-T.
Other names: c.758C>A, p.Thr253Lys (NM_001270399.2); c.653C>A, p.Thr218Lys (NM_001270400.2); short protein forms T218K, T253K.
Identifiers: ClinVar variation 1349068 (VCV001349068.6), dbSNP rs587784493, ClinGen allele CA384640000.

ClinVar aggregate classification (germline): Likely pathogenic (1 of 4 stars; one submission).

Submission:

Labcorp Genetics (formerly Invitae), Labcorp
Classification: Likely pathogenic. Last evaluated: 2021-09-03. Review status: criteria provided, single submitter. Criteria: Invitae Variant Classification Sherloc (09022015). Collection method: clinical testing. Allele origin: germline.
Comment: In summary, the currently available evidence indicates that the variant is pathogenic, but additional data are needed to prove that conclusively. Therefore, this variant has been classified as Likely Pathogenic. Algorithms developed to predict the effect of missense changes on protein structure and function are either unavailable or do not agree on the potential impact of this missense change (SIFT: "Deleterious"; PolyPhen-2: "Benign"; Align-GVGD: "Class C65"). This missense change has been observed in individual(s) with clinical features of TUBA1A-related conditions (Invitae). In at least one individual the variant was observed to be de novo. This variant is not present in population databases (ExAC no frequency). This sequence change replaces threonine with lysine at codon 253 of the TUBA1A protein (p.Thr253Lys). The threonine residue is highly conserved and there is a moderate physicochemical difference between threonine and lysine.